The following is an entry in ClinVar:

ClinVar aggregate classification (germline): Pathogenic. Review status: reviewed by expert panel (3 of 4 stars). 3 submissions from 3 submitters: Pathogenic (1). 2 of the submissions do not count toward it. Last evaluated 2016-10-18.

Conditions:
Hereditary cancer-predisposing syndrome. Also called: Tumor predisposition; Neoplastic Syndromes, Hereditary; Hereditary neoplastic syndrome; Hereditary Cancer Syndrome. Identifiers: Orphanet 140162, MedGen C0027672, MeSH D009386, MONDO:0015356.
Breast-ovarian cancer, familial, susceptibility to, 2 (BROVCA2). Also called: BRCA2 Hereditary Breast and Ovarian Cancer. Identifiers: Orphanet 145, MedGen C2675520, MONDO:0012933, OMIM 612555. Disease mechanism: loss of function.

Submissions (3):

Evidence-based Network for the Interpretation of Germline Mutant Alleles (ENIGMA)
Classification: Pathogenic for Breast-ovarian cancer, familial, susceptibility to, 2. Last evaluated: 2016-10-18. Review status: reviewed by expert panel. Criteria: ENIGMA BRCA1/2 Classification Criteria (2015). Collection method: curation. Allele origin: germline.
Comment: Variant allele predicted to encode a truncated non-functional protein.

Consortium of Investigators of Modifiers of BRCA1/2 (CIMBA), c/o University of Cambridge
Classification: Pathogenic for Breast-ovarian cancer, familial, susceptibility to, 2. Last evaluated: 2015-10-02. Review status: criteria provided, single submitter. Criteria: CIMBA Mutation Classification guidelines May 2016. Collection method: clinical testing. Allele origin: germline. Not counted in ClinVar's aggregate classification.

Genomic Center, National Cancer Institute
Classification: Likely pathogenic for Hereditary cancer-predisposing syndrome. Review status: no assertion criteria provided. Collection method: case-control. Allele origin: germline. Affected: yes. Not counted in ClinVar's aggregate classification.

NM_000059.4(BRCA2):c.1508del (p.Lys503fs)

Gene: BRCA2 (BRCA2 DNA repair associated; plus strand). Cytogenetic location: 13q13.1.
Variant type: Deletion.
Coding change: c.1508del on transcript NM_000059.4 (MANE Select); coding-DNA position 1508, one base deleted (A; older notation c.1508delA).
Protein change: p.Lys503fs; shifts the reading frame from lysine 503.
Molecular consequence: frameshift variant.
Genome position (GRCh38, 1-based): chr13:32,332,986, A deleted; the last of 5 consecutive A bases (chr13:32,332,982-32,332,986); deleting any one gives the same sequence. VCF-style (leftmost placement, unchanged base first): chr13-32332981-CA-C. GRCh37 (hg19) VCF-style: chr13-32907118-CA-C.
Other names: 1736delA; c.1508delA (NM_000059.4); short protein forms K503fs.
Identifiers: ClinVar variation 266641 (VCV000266641.7), dbSNP rs886038066, ClinGen allele CA10589100.
Genomic context (GRCh38, chr13:32,332,981, plus strand): 5'-TCTTGCAGTAAAGCAGGCAATATCTGGAACTTCTCCAGTGGCTTCTTCATTTCAGGGTAT[CA>C]AAAAGTCTATATTCAGAATAAGAGAATCACCTAAAGAGACTTTCAATGCAAGTTTTTCAG-3'